The following is an entry in ClinVar:

NM_000532.5(PCCB):c.161G>A (p.Arg54His)

Gene: PCCB (propionyl-CoA carboxylase subunit beta; plus strand). Cytogenetic location: 3q22.3.
Variant type: single nucleotide variant.
Coding change: c.161G>A on transcript NM_000532.5 (MANE Select); coding-DNA position 161, G replaced by A.
Protein change: p.Arg54His; replaces arginine 54 with histidine.
Molecular consequence: missense variant.
Genome position (GRCh38, 1-based): chr3:136,250,536, G>A. VCF-style: chr3-136250536-G-A. GRCh37 (hg19) VCF-style: chr3-135969378-G-A.
Other names: c.161G>A, p.Arg54His (NM_001178014.2); short protein forms R54H.
Identifiers: ClinVar variation 1967220 (VCV001967220.2), dbSNP rs1328595594, ClinGen allele CA354738105.

ClinVar aggregate classification (germline): Uncertain significance (1 of 4 stars; one submission).

Conditions:
Propionic acidemia (PROP). Also called: GLYCINEMIA, KETOTIC; HYPERGLYCINEMIA WITH KETOACIDOSIS AND LEUKOPENIA; KETOTIC HYPERGLYCINEMIA. Identifiers: Orphanet 35, MedGen C0268579, MONDO:0011628, OMIM 606054, HP:0003571.

Allele frequency attached by ClinVar (database versions not stated): gnomAD exomes below 0.00001.
gnomAD v4.1: 2 of 1,612,594 alleles (0.00012%); highest among the groups gnomAD compares: African/African-American, 0.0027%; no homozygotes.

Submission:

Labcorp Genetics (formerly Invitae), Labcorp
Classification: Uncertain significance for Propionic acidemia. Last evaluated: 2021-08-27. Review status: criteria provided, single submitter. Criteria: Invitae Variant Classification Sherloc (09022015). Collection method: clinical testing. Allele origin: germline.
Comment: This sequence change replaces arginine with histidine at codon 54 of the PCCB protein (p.Arg54His). The arginine residue is highly conserved and there is a small physicochemical difference between arginine and histidine. This variant is not present in population databases (ExAC no frequency). This variant has not been reported in the literature in individuals affected with PCCB-related conditions. Advanced modeling of protein sequence and biophysical properties (such as structural, functional, and spatial information, amino acid conservation, physicochemical variation, residue mobility, and thermodynamic stability) performed at Invitae indicates that this missense variant is expected to disrupt PCCB protein function. In summary, the available evidence is currently insufficient to determine the role of this variant in disease. Therefore, it has been classified as a Variant of Uncertain Significance.